The following is an entry in ClinVar:

NM_020937.4(FANCM):c.4738A>G (p.Met1580Val)

Gene: FANCM (FA complementation group M; plus strand). Cytogenetic location: 14q21.2.
Variant type: single nucleotide variant.
Coding change: c.4738A>G on transcript NM_020937.4 (MANE Select); coding-DNA position 4738, A replaced by G.
Protein change: p.Met1580Val; replaces methionine 1580 with valine.
Molecular consequence: missense variant.
Genome position (GRCh38, 1-based): chr14:45,187,846, A>G. VCF-style: chr14-45187846-A-G. GRCh37 (hg19) VCF-style: chr14-45657049-A-G.
Other names: c.4660A>G, p.Met1554Val (NM_001308133.2); short protein forms M1554V, M1580V.
Identifiers: ClinVar variation 3848655 (VCV003848655.1).

ClinVar aggregate classification (germline): Uncertain significance (1 of 4 stars; one submission).

Conditions:
Inborn genetic diseases. Identifiers: MedGen C0950123, MeSH D030342.

Submission:

Ambry Genetics
Classification: Uncertain significance for Inborn genetic diseases. Last evaluated: 2025-01-24. Review status: criteria provided, single submitter. Criteria: Ambry Variant Classification Scheme 2023. Collection method: clinical testing. Allele origin: germline.
Comment: The p.M1580V variant (also known as c.4738A>G), located in coding exon 19 of the FANCM gene, results from an A to G substitution at nucleotide position 4738. The methionine at codon 1580 is replaced by valine, an amino acid with highly similar properties. This amino acid position is conserved. In addition, this alteration is predicted to be tolerated by in silico analysis. Based on the available evidence, the clinical significance of this variant remains unclear.